The following is an entry in ClinVar:

ClinVar aggregate classification (germline): Uncertain significance (1 of 4 stars; one submission).

Conditions:
Familial cold autoinflammatory syndrome 2 (FCAS2). Identifiers: Orphanet 247868, MedGen C2673198, MONDO:0012724, OMIM 611762.

Submission:

Labcorp Genetics (formerly Invitae), Labcorp
Classification: Uncertain significance for Familial cold autoinflammatory syndrome 2. Last evaluated: 2021-08-05. Review status: criteria provided, single submitter. Criteria: Invitae Variant Classification Sherloc (09022015). Collection method: clinical testing. Allele origin: germline.
Comment: In summary, the available evidence is currently insufficient to determine the role of this variant in disease. Therefore, it has been classified as a Variant of Uncertain Significance. Algorithms developed to predict the effect of sequence changes on RNA splicing suggest that this variant may create or strengthen a splice site. This variant has not been reported in the literature in individuals affected with NLRP12-related conditions. This variant is not present in population databases (ExAC no frequency). This sequence change affects codon 977 of the NLRP12 mRNA. It is a 'silent' change, meaning that it does not change the encoded amino acid sequence of the NLRP12 protein.

NM_144687.4(NLRP12):c.2931G>A (p.Leu977=)

Gene: NLRP12 (NLR family pyrin domain containing 12; minus strand). Cytogenetic location: 19q13.42.
Variant type: single nucleotide variant.
Coding change: c.2931G>A on transcript NM_144687.4 (MANE Select); coding-DNA position 2931, G replaced by A.
Protein change: p.Leu977=; no amino-acid change (leucine 977 retained).
Molecular consequence: synonymous variant.
Genome position (GRCh38, 1-based): chr19:53,796,026, C>T on the plus strand (G>A on the coding strand, the complement: NLRP12 is on the minus strand). VCF-style: chr19-53796026-C-T. GRCh37 (hg19) VCF-style: chr19-54299280-C-T.
Other names: c.2934G>A, p.Leu978= (NM_001277126.2); c.2760G>A, p.Leu920= (NM_001277129.1).
Identifiers: ClinVar variation 1372705 (VCV001372705.6), dbSNP rs2122506609, ClinGen allele CA508767398.